The following is an entry in ClinVar:

ClinVar aggregate classification (germline): Uncertain significance (1 of 4 stars; one submission).

Submission:

Labcorp Genetics (formerly Invitae), Labcorp
Classification: Uncertain significance. Last evaluated: 2025-09-16. Review status: criteria provided, single submitter. Criteria: Invitae Variant Classification Sherloc (09022015). Collection method: clinical testing. Allele origin: germline.
Comment: This sequence change replaces leucine, which is neutral and non-polar, with histidine, which is basic and polar, at codon 1405 of the DCHS1 protein (p.Leu1405His). The frequency data for this variant in the population databases is considered unreliable, as metrics indicate poor data quality at this position in the gnomAD database. This variant has not been reported in the literature in individuals affected with DCHS1-related conditions. An algorithm developed to predict the effect of missense changes on protein structure and function (PolyPhen-2) suggests that this variant is likely to be tolerated. In summary, the available evidence is currently insufficient to determine the role of this variant in disease. Therefore, it has been classified as a Variant of Uncertain Significance.

NM_003737.4(DCHS1):c.4214_4215delinsAC (p.Leu1405His)

Gene: DCHS1 (dachsous cadherin-related 1; minus strand). Cytogenetic location: 11p15.4.
Variant type: Indel.
Coding change: c.4214_4215delinsAC on transcript NM_003737.4 (MANE Select); coding-DNA positions 4214 to 4215, TT replaced by AC.
Protein change: p.Leu1405His; replaces leucine 1405 with histidine.
Molecular consequence: missense variant.
Genome position (GRCh38, 1-based): chr11:6,630,579-6,630,580, AA replaced by GT on the plus strand (TT replaced by AC on the coding strand, the reverse complement: DCHS1 is on the minus strand). VCF-style: chr11-6630579-AA-GT. GRCh37 (hg19) VCF-style: chr11-6651810-AA-GT.
Other names: short protein forms L1405H.
Identifiers: ClinVar variation 4693450 (VCV004693450.1).